The following is an entry in ClinVar:

NM_001793.6(CDH3):c.1111G>C (p.Gly371Arg)

Gene: CDH3 (cadherin 3; plus strand). Cytogenetic location: 16q22.1.
Variant type: single nucleotide variant.
Coding change: c.1111G>C on transcript NM_001793.6 (MANE Select); coding-DNA position 1111, G replaced by C.
Protein change: p.Gly371Arg; replaces glycine 371 with arginine.
Molecular consequence: missense variant.
Genome position (GRCh38, 1-based): chr16:68,682,416, G>C. VCF-style: chr16-68682416-G-C. GRCh37 (hg19) VCF-style: chr16-68716319-G-C.
Other names: c.1111G>C, p.Gly371Arg (NM_001317195.3); c.946G>C, p.Gly316Arg (NM_001317196.2); short protein forms G316R, G371R.
Identifiers: ClinVar variation 2105787 (VCV002105787.4), dbSNP rs374738611, ClinGen allele CA396453225.
Genomic context (GRCh38, chr16:68,682,416, plus strand): 5'-GTCACTGATCTGGACGCCCCCAACTCACCAGCGTGGCGTGCCACCTACCTTATCATGGGC[G>C]GTGACGACGGGGACCATTTTACCATCACCACCCACCCTGAGAGCAACCAGGGCATCCTGA-3'
Protein context (NP_001784.2, residues 361-381): AWRATYLIMG[Gly371Arg]DDGDHFTITT

ClinVar aggregate classification (germline): Uncertain significance (1 of 4 stars; one submission).

Submission:

Labcorp Genetics (formerly Invitae), Labcorp
Classification: Uncertain significance. Last evaluated: 2022-11-29. Review status: criteria provided, single submitter. Criteria: Invitae Variant Classification Sherloc (09022015). Collection method: clinical testing. Allele origin: germline.
Comment: In summary, the available evidence is currently insufficient to determine the role of this variant in disease. Therefore, it has been classified as a Variant of Uncertain Significance. Advanced modeling of protein sequence and biophysical properties (such as structural, functional, and spatial information, amino acid conservation, physicochemical variation, residue mobility, and thermodynamic stability) performed at Invitae indicates that this missense variant is expected to disrupt CDH3 protein function. This variant has not been reported in the literature in individuals affected with CDH3-related conditions. This variant is not present in population databases (gnomAD no frequency). This sequence change replaces glycine, which is neutral and non-polar, with arginine, which is basic and polar, at codon 371 of the CDH3 protein (p.Gly371Arg).